The following is an entry in ClinVar:

NM_006206.6(PDGFRA):c.1339T>C (p.Trp447Arg)

Gene: PDGFRA (platelet derived growth factor receptor alpha; plus strand). Cytogenetic location: 4q12.
Variant type: single nucleotide variant.
Coding change: c.1339T>C on transcript NM_006206.6 (MANE Select); coding-DNA position 1339, T replaced by C.
Protein change: p.Trp447Arg; replaces tryptophan 447 with arginine.
Molecular consequence: missense variant.
Genome position (GRCh38, 1-based): chr4:54,272,495, T>C. VCF-style: chr4-54272495-T-C. GRCh37 (hg19) VCF-style: chr4-55138662-T-C.
Other names: c.1339T>C, p.Trp447Arg (NM_001347827.2, NM_001347829.2); c.1414T>C, p.Trp472Arg (NM_001347828.2); c.1378T>C, p.Trp460Arg (NM_001347830.2); short protein forms W447R, W460R, W472R.
Identifiers: ClinVar variation 4742206 (VCV004742206.1).
Genomic context (GRCh38, chr4:54,272,495, plus strand): 5'-TCAACTGGGGGACAGACGGTGAGGTGCACAGCTGAAGGCACGCCGCTTCCTGATATTGAG[T>C]GGATGATATGCAAAGATATTAAGAAGTATGGAAAACAGATGTGTCTTCTTCTTTCGTGGT-3'
Protein context (NP_006197.1, residues 437-457): AEGTPLPDIE[Trp447Arg]MICKDIKKCN

ClinVar aggregate classification (germline): Uncertain significance (1 of 4 stars; one submission).

Conditions:
Gastrointestinal stromal tumor. Also called: Gastrointestinal stromal tumor, somatic; Gastrointestinal stroma tumor. Identifiers: Orphanet 44890, MedGen C0238198, MeSH D046152, MONDO:0011719, OMIM 606764, HP:0100723.

Submission:

Labcorp Genetics (formerly Invitae), Labcorp
Classification: Uncertain significance for Gastrointestinal stromal tumor. Last evaluated: 2025-09-10. Review status: criteria provided, single submitter. Criteria: Invitae Variant Classification Sherloc (09022015). Collection method: clinical testing. Allele origin: germline.
Comment: This sequence change replaces tryptophan, which is neutral and slightly polar, with arginine, which is basic and polar, at codon 447 of the PDGFRA protein (p.Trp447Arg). This variant is not present in population databases (gnomAD no frequency). This variant has not been reported in the literature in individuals affected with PDGFRA-related conditions. Invitae Evidence Modeling of protein sequence and biophysical properties (such as structural, functional, and spatial information, amino acid conservation, physicochemical variation, residue mobility, and thermodynamic stability) indicates that this missense variant is not expected to disrupt PDGFRA protein function with a negative predictive value of 80%. In summary, the available evidence is currently insufficient to determine the role of this variant in disease. Therefore, it has been classified as a Variant of Uncertain Significance.